The following is an entry in ClinVar:

NM_001135649.3(FOXI3):c.151_248del (p.Asn51fs)

Gene: FOXI3 (forkhead box I3; minus strand). Cytogenetic location: 2p11.2.
Variant type: Deletion.
Coding change: c.151_248del on transcript NM_001135649.3 (MANE Select); coding-DNA positions 151 to 248, 98 bases deleted.
Protein change: p.Asn51fs; shifts the reading frame from asparagine 51.
Molecular consequence: frameshift variant.
Genome position (GRCh38, 1-based): chr2:88,452,288-88,452,385, 98 bases deleted. GRCh37 (hg19): chr2:88,751,818-88,751,915.
Other names: short protein forms N51fs.
Identifiers: ClinVar variation 2882304 (VCV002882304.3), dbSNP rs2528917383, ClinGen allele CA2739271133.

ClinVar aggregate classification (germline): Uncertain significance (1 of 4 stars; one submission).

Submission:

Labcorp Genetics (formerly Invitae), Labcorp
Classification: Uncertain significance. Last evaluated: 2022-12-20. Review status: criteria provided, single submitter. Criteria: Invitae Variant Classification Sherloc (09022015). Collection method: clinical testing. Allele origin: germline.
Comment: This sequence change creates a premature translational stop signal (p.Asn51Alafs*95) in the FOXI3 gene. It is expected to result in an absent or disrupted protein product. However, the current clinical and genetic evidence is not sufficient to establish whether loss-of-function variants in FOXI3 cause disease. The frequency data for this variant in the population databases is considered unreliable, as metrics indicate insufficient coverage at this position in the gnomAD database. This variant has not been reported in the literature in individuals affected with FOXI3-related conditions. In summary, the available evidence is currently insufficient to determine the role of this variant in disease. Therefore, it has been classified as a Variant of Uncertain Significance.